The following is an entry in ClinVar:

ClinVar aggregate classification (germline): Benign/Likely benign. Review status: criteria provided, multiple submitters, no conflicts (2 of 4 stars). 3 submissions from 3 submitters: Benign (1); Likely benign (2). Last evaluated 2023-08-02.

Conditions:
Inborn genetic diseases. Identifiers: MedGen C0950123, MeSH D030342.

Allele frequency attached by ClinVar (database versions not stated): ExAC 0.00292.

Submissions (3):

Ambry Genetics
Classification: Likely benign for Inborn genetic diseases. Last evaluated: 2023-08-02. Review status: criteria provided, single submitter. Criteria: Ambry Variant Classification Scheme 2023. Collection method: clinical testing. Allele origin: germline.

Mayo Clinic Laboratories, Mayo Clinic
Classification: Benign. Last evaluated: 2023-01-24. Review status: criteria provided, single submitter. Criteria: ACMG Guidelines, 2015. Collection method: clinical testing. Allele origin: germline. Observed: 135 variant alleles.
Comment: BS1, BS2

Breakthrough Genomics
Classification: Likely benign. Review status: criteria provided, single submitter. Criteria: ACMG Guidelines, 2015. Collection method: not provided. Allele origin: germline. Inheritance: Autosomal dominant inheritance. Affected: yes.

NM_003194.5(TBP):c.222A>G (p.Gln74=)

Genes: TBP (TATA-box binding protein; plus strand), LOC108663996 (TATA-box binding protein repeat instability region; plus strand). Cytogenetic location: 6q27.
Variant type: single nucleotide variant.
Coding change: c.222A>G on transcript NM_003194.5 (MANE Select); coding-DNA position 222, A replaced by G.
Protein change: p.Gln74=; no amino-acid change (glutamine 74 retained).
Molecular consequence: synonymous variant.
Genome position (GRCh38, 1-based): chr6:170,561,958, A>G. VCF-style: chr6-170561958-A-G. GRCh37 (hg19) VCF-style: chr6-170871046-A-G.
Other names: p.Gln74=; c.162A>G, p.Gln54= (NM_001172085.2).
Identifiers: ClinVar variation 2590300 (VCV002590300.4), dbSNP rs62430309, ClinGen allele CA4108301.